The following is an entry in ClinVar:

NM_002529.4(NTRK1):c.1730_1736dup (p.Cys579fs)

Gene: NTRK1 (neurotrophic receptor tyrosine kinase 1; plus strand). Cytogenetic location: 1q23.1.
Variant type: Duplication.
Coding change: c.1730_1736dup on transcript NM_002529.4 (MANE Select); coding-DNA positions 1730 to 1736, 7 bases duplicated (GCGTCTG; older notation c.1730_1736dupGCGTCTG).
Protein change: p.Cys579fs; shifts the reading frame from cysteine 579.
Molecular consequence: frameshift variant.
Genome position (GRCh38, 1-based): chr1:156,876,497-156,876,503, GCGTCTG duplicated; duplicating any 7 consecutive bases within chr1:156,876,496-156,876,503 gives the same sequence; the c. name uses the placement nearest the transcript's 3' end. VCF-style (leftmost placement, unchanged base first): chr1-156876495-C-CGGCGTCT. GRCh37 (hg19) VCF-style: chr1-156846287-C-CGGCGTCT.
Other names: c.1730_1736dup, p.Cys579Trpfs (NM_001007204.1); c.1622_1628dup, p.Cys543fs (NM_001007792.1); c.1712_1718dup, p.Cys573fs (NM_001012331.2); short protein forms C543fs, C573fs, C579fs.
Identifiers: ClinVar variation 2022583 (VCV002022583.4), dbSNP rs2525643959, ClinGen allele CA2580061231.

ClinVar aggregate classification (germline): Pathogenic (1 of 4 stars; one submission).

Conditions:
Hereditary insensitivity to pain with anhidrosis (CIPA). Also called: NTRK1 Congenital Insensitivity to Pain with Anhidrosis; NEUROPATHY, CONGENITAL SENSORY, WITH ANHIDROSIS; HSAN Type IV; hereditary sensory and autonomic neuropathy type 4; FAMILIAL DYSAUTONOMIA, TYPE II; INSENSITIVITY TO PAIN, CONGENITAL, WITH ANHIDROSIS. Identifiers: Orphanet 642, MedGen C0020074, MONDO:0009746, OMIM 256800.

Submission:

Labcorp Genetics (formerly Invitae), Labcorp
Classification: Pathogenic for Hereditary insensitivity to pain with anhidrosis. Last evaluated: 2024-10-16. Review status: criteria provided, single submitter. Criteria: Invitae Variant Classification Sherloc (09022015). Collection method: clinical testing. Allele origin: germline.
Comment: This sequence change creates a premature translational stop signal (p.Cys573Trpfs*14) in the NTRK1 gene. It is expected to result in an absent or disrupted protein product. Loss-of-function variants in NTRK1 are known to be pathogenic (PMID: 10982191). This variant is not present in population databases (gnomAD no frequency). This variant has not been reported in the literature in individuals affected with NTRK1-related conditions. ClinVar contains an entry for this variant (Variation ID: 2022583). For these reasons, this variant has been classified as Pathogenic.

Literature cited by the submitters: PubMed 10982191.